The following is an entry in ClinVar:

ClinVar aggregate classification (germline): Pathogenic (1 of 4 stars; one submission).

Conditions:
Pulmonary fibrosis and/or bone marrow failure, Telomere-related, 3. Also called: PULMONARY FIBROSIS AND/OR BONE MARROW FAILURE SYNDROME, TELOMERE-RELATED, 3. Identifiers: Orphanet 2032, MedGen C4225346, MONDO:0014613, OMIM 616373.

Submission:

Victorian Clinical Genetics Services, Murdoch Childrens Research Institute
Classification: Pathogenic for Pulmonary fibrosis and/or bone marrow failure, Telomere-related, 3. Last evaluated: 2024-10-08. Review status: criteria provided, single submitter. Criteria: ACMG Guidelines, 2015. Collection method: clinical testing. Allele origin: germline. Inheritance: Autosomal dominant inheritance.
Comment: Based on the classification scheme VCGS_Germline_v1.3.4, this variant is classified as Pathogenic. Following criteria are met: 0102 - Loss of function is a known mechanism of disease in this gene and is associated with autosomal dominant dyskeratosis congenita 4 and autosomal recessive dyskeratosis congenita 5 (MIM#615190), and autosomal dominant telomere-related pulmonary fibrosis and/or bone marrow failure 3 (MIM#616373). (I) 0108 - This gene is associated with both recessive and dominant disease. Currently, the genotype-phenotype relationship has not been established (OMIM). (I) 0112 - The condition associated with this gene has incomplete penetrance. Monoallelic pathogenic variants have been reported in asymptomatic family members (PMID: 23329068, 25848748, 35199181). (I) 0115 - Variants in this gene are known to have variable expressivity (OMIM). (I) 0201 - Variant is predicted to cause nonsense-mediated decay (NMD) and loss of protein (premature termination codon is located at least 54 nucleotides upstream of the final exon-exon junction). (SP) 0251 - This variant is heterozygous. (I) 0301 - Variant is absent from gnomAD (both v2 and v3). (SP) 0701 - Many other NMD-predicted variants comparable to the one identified in this case have very strong previous evidence for pathogenicity in individuals with pulmonary fibrosis (DECIPHER, PMID: 25848748). (SP) 0807 - This variant has no previous evidence of pathogenicity. (I) 0905 - No published segregation evidence has been identified for this variant. (I) 1007 - No published functional evidence has been identified for this variant. (I) Legend: (SP) - Supporting pathogenic, (I) - Information, (SB) - Supporting benign

Literature cited by the submitters: PubMed 23329068; PubMed 25848748; PubMed 35199181.

NM_001283009.2(RTEL1):c.1702A>T (p.Lys568Ter)

Genes: RTEL1 (regulator of telomere elongation helicase 1; plus strand), RTEL1-TNFRSF6B (RTEL1-TNFRSF6B readthrough (NMD candidate); plus strand). Cytogenetic location: 20q13.33.
Variant type: single nucleotide variant.
Coding change: c.1702A>T on transcript NM_001283009.2 (MANE Select); coding-DNA position 1702, A replaced by T.
Protein change: p.Lys568Ter; replaces lysine 568 with a stop codon.
Molecular consequence: nonsense. On other transcripts: non-coding transcript variant (1).
Genome position (GRCh38, 1-based): chr20:63,688,366, A>T. VCF-style: chr20-63688366-A-T. GRCh37 (hg19) VCF-style: chr20-62319719-A-T.
Other names: c.1033A>T, p.Lys345Ter (NM_001283010.1); c.1702A>T, p.Lys568Ter (NM_016434.4); c.1774A>T, p.Lys592Ter (NM_032957.5); short protein forms K345*, K568*, K592*.
Identifiers: ClinVar variation 3377294 (VCV003377294.1).